The following is an entry in ClinVar:

NM_004655.4(AXIN2):c.2296G>A (p.Val766Ile)

Gene: AXIN2 (axin 2; minus strand). Cytogenetic location: 17q24.1.
Variant type: single nucleotide variant.
Coding change: c.2296G>A on transcript NM_004655.4 (MANE Select); coding-DNA position 2296, G replaced by A.
Protein change: p.Val766Ile; replaces valine 766 with isoleucine.
Molecular consequence: missense variant.
Genome position (GRCh38, 1-based): chr17:65,534,021, C>T on the plus strand (G>A on the coding strand, the complement: AXIN2 is on the minus strand). VCF-style: chr17-65534021-C-T. GRCh37 (hg19) VCF-style: chr17-63530139-C-T.
Other names: c.2101G>A, p.Val701Ile (NM_001363813.1); short protein forms V766I, V701I.
Identifiers: ClinVar variation 4824625 (VCV004824625.1).

ClinVar aggregate classification (germline): Uncertain significance (1 of 4 stars; one submission).

Conditions:
Hereditary cancer-predisposing syndrome. Also called: Neoplastic Syndromes, Hereditary; Hereditary neoplastic syndrome; Tumor predisposition; Hereditary Cancer Syndrome. Identifiers: Orphanet 140162, MedGen C0027672, MeSH D009386, MONDO:0015356.

gnomAD v4.1: 4 of 1,614,244 alleles (0.00025%); highest among the groups gnomAD compares: Non-Finnish European, 0.00034%; no homozygotes.

Submission:

Ambry Genetics
Classification: Uncertain significance for Hereditary cancer-predisposing syndrome. Last evaluated: 2026-02-20. Review status: criteria provided, single submitter. Criteria: Ambry Variant Classification Scheme 2023. Collection method: clinical testing. Allele origin: germline.
Comment: The p.V766I variant (also known as c.2296G>A), located in coding exon 9 of the AXIN2 gene, results from a G to A substitution at nucleotide position 2296. The valine at codon 766 is replaced by isoleucine, an amino acid with highly similar properties. This amino acid position is highly conserved in available vertebrate species. In addition, this alteration is predicted to be tolerated by in silico analysis. Based on the available evidence, the clinical significance of this variant remains unclear.